The following is an entry in ClinVar:

NM_001614.5(ACTG1):c.755A>T (p.Asn252Ile)

Gene: ACTG1 (actin gamma 1; minus strand). Cytogenetic location: 17q25.3.
Variant type: single nucleotide variant.
Coding change: c.755A>T on transcript NM_001614.5 (MANE Select); coding-DNA position 755, A replaced by T.
Protein change: p.Asn252Ile; replaces asparagine 252 with isoleucine.
Molecular consequence: missense variant. On other transcripts: non-coding transcript variant (1).
Genome position (GRCh38, 1-based): chr17:81,511,235, T>A on the plus strand (A>T on the coding strand, the complement: ACTG1 is on the minus strand). VCF-style: chr17-81511235-T-A. GRCh37 (hg19) VCF-style: chr17-79478261-T-A.
Other names: c.755A>T, p.Asn252Ile (NM_001199954.3); short protein forms N252I.
Identifiers: ClinVar variation 280720 (VCV000280720.3), dbSNP rs886041873, ClinGen allele CA10603478.

ClinVar aggregate classification (germline): Likely pathogenic (1 of 4 stars; one submission).

Submission:

GeneDx
Classification: Likely pathogenic. Last evaluated: 2026-01-07. Review status: criteria provided, single submitter. Criteria: GeneDx Variant Classification Process June 2021. Collection method: clinical testing. Allele origin: germline. Affected: yes.
Comment: Missense variants in this gene are a common cause of disease and they are underrepresented in the general population; Not observed at significant frequency in large population cohorts (gnomAD); In silico analysis supports that this missense variant has a deleterious effect on protein structure/function; This variant is associated with the following publications: (PMID: 39182490)